The following is an entry in ClinVar:

NM_138694.4(PKHD1):c.8532T>A (p.Ile2844=)

Gene: PKHD1 (PKHD1 ciliary IPT domain containing fibrocystin/polyductin; minus strand). Cytogenetic location: 6p12.3.
Variant type: single nucleotide variant.
Coding change: c.8532T>A on transcript NM_138694.4 (MANE Select); coding-DNA position 8532, T replaced by A.
Protein change: p.Ile2844=; no amino-acid change (isoleucine 2844 retained).
Molecular consequence: synonymous variant.
Genome position (GRCh38, 1-based): chr6:51,775,830, A>T on the plus strand (T>A on the coding strand, the complement: PKHD1 is on the minus strand). VCF-style: chr6-51775830-A-T. GRCh37 (hg19) VCF-style: chr6-51640628-A-T.
Other names: c.8532T>A, p.Ile2844= (NM_170724.3); c.8532T>A (NM_138694.3).
Identifiers: ClinVar variation 1158346 (VCV001158346.11), dbSNP rs941290574, ClinGen allele CA138908773.
Genomic context (GRCh38, chr6:51,775,830, plus strand): 5'-GCATTTTATTTTTAATAAAAACTATATTATACTCTTACCAATTGTTCCTGGGTCAATATG[A>T]ATTCCATTCATACGGTCACAAAAGACTCCCTCTGAGGCTCTAAGGAGAATCAGAAGCTTT-3'
Protein context (NP_619639.3, residues 2834-2854): EGVFCDRMNG[Ile2844=]HIDPGTIGVY

ClinVar aggregate classification (germline): Likely benign. Review status: criteria provided, single submitter (1 of 4 stars). 2 submissions from 2 submitters: Likely benign (1). 1 of the submissions does not count toward it. Last evaluated 2025-06-27.

Conditions:
Autosomal recessive polycystic kidney disease (ARPKD). Also called: AR polycystic kidney disease. Identifiers: Orphanet 731, Orphanet 8378, MedGen C0085548, MeSH D017044, MONDO:0009889.
PKHD1-related disorder. Also called: PKHD1-related condition.

Allele frequency attached by ClinVar (database versions not stated): gnomAD exomes below 0.00001; gnomAD 0.00001; TOPMed 0.00001.
gnomAD v4.1: 3 of 1,548,352 alleles (0.00019%); highest among the groups gnomAD compares: Admixed American, 0.0017%; no homozygotes.

Submissions (2):

Labcorp Genetics (formerly Invitae), Labcorp
Classification: Likely benign for Autosomal recessive polycystic kidney disease. Last evaluated: 2025-06-27. Review status: criteria provided, single submitter. Criteria: Invitae Variant Classification Sherloc (09022015). Collection method: clinical testing. Allele origin: germline.

PreventionGenetics, part of Exact Sciences
Classification: Likely benign for PKHD1-related condition. Last evaluated: 2021-09-03. Review status: no assertion criteria provided. Collection method: clinical testing. Allele origin: germline. Not counted in ClinVar's aggregate classification.
Comment: This variant is classified as likely benign based on ACMG/AMP sequence variant interpretation guidelines (Richards et al. 2015 PMID: 25741868, with internal and published modifications).